The following is an entry in ClinVar:

NM_000038.6(APC):c.2258A>G (p.His753Arg)

Gene: APC (APC regulator of Wnt signaling pathway; plus strand). Cytogenetic location: 5q22.2.
Variant type: single nucleotide variant.
Coding change: c.2258A>G on transcript NM_000038.6 (MANE Select); coding-DNA position 2258, A replaced by G.
Protein change: p.His753Arg; replaces histidine 753 with arginine.
Molecular consequence: missense variant.
Genome position (GRCh38, 1-based): chr5:112,837,852, A>G. VCF-style: chr5-112837852-A-G. GRCh37 (hg19) VCF-style: chr5-112173549-A-G.
Other names: c.2258A>G, p.His753Arg (NM_001127510.3, NM_001354895.2); c.2204A>G, p.His735Arg (NM_001127511.3); c.2312A>G, p.His771Arg (NM_001354896.2); c.2288A>G, p.His763Arg (NM_001354897.2); c.2183A>G, p.His728Arg (NM_001354898.2); c.2174A>G, p.His725Arg (NM_001354899.2); c.2135A>G, p.His712Arg (NM_001354900.2); c.2081A>G, p.His694Arg (NM_001354901.2); and 5 more; short protein forms H652R, H662R, H763R, H470R, H593R, H627R, H771R, H728R.
Identifiers: ClinVar variation 820974 (VCV000820974.16), dbSNP rs1580619903, ClinGen allele CA16026277.
Genomic context (GRCh38, chr5:112,837,852, plus strand): 5'-GGCCTGCGAAGTACAAGGATGCCAATATTATGTCTCCTGGCTCAAGCTTGCCATCTCTTC[A>G]TGTTAGGAAACAAAAAGCCCTAGAAGCAGAATTAGATGCTCAGCACTTATCAGAAACTTT-3'
Protein context (NP_000029.2, residues 743-763): MSPGSSLPSL[His753Arg]VRKQKALEAE

ClinVar aggregate classification (germline): Uncertain significance. Review status: criteria provided, multiple submitters, no conflicts (2 of 4 stars). 4 submissions from 4 submitters: Uncertain significance (4). Last evaluated 2026-01-28.

Conditions:
Familial adenomatous polyposis 1 (FAP1). Also called: FAMILIAL ADENOMATOUS POLYPOSIS 1, ATTENUATED; POLYPOSIS, ADENOMATOUS INTESTINAL. Identifiers: MedGen C2713442, MONDO:0021056, OMIM 175100. Disease mechanism: loss of function.
APC-Associated Polyposis Disorders.
Hereditary cancer-predisposing syndrome. Also called: Neoplastic Syndromes, Hereditary; Tumor predisposition; Hereditary Cancer Syndrome; Hereditary neoplastic syndrome. Identifiers: Orphanet 140162, MedGen C0027672, MeSH D009386, MONDO:0015356.

Allele frequency attached by ClinVar (database versions not stated): gnomAD exomes below 0.00001.
gnomAD v4.1: 1 of 1,614,064 alleles (0.000062%); highest among the groups gnomAD compares: East Asian, 0.0022%; no homozygotes.

Submissions (4):

Labcorp Genetics (formerly Invitae), Labcorp
Classification: Uncertain significance for Familial adenomatous polyposis 1. Last evaluated: 2026-01-28. Review status: criteria provided, single submitter. Criteria: Invitae Variant Classification Sherloc (09022015). Collection method: clinical testing. Allele origin: germline.
Comment: This sequence change replaces histidine, which is basic and polar, with arginine, which is basic and polar, at codon 753 of the APC protein (p.His753Arg). This variant is not present in population databases (gnomAD no frequency). This variant has not been reported in the literature in individuals affected with APC-related conditions. ClinVar contains an entry for this variant (Variation ID: 820974). Invitae Evidence Modeling of protein sequence and biophysical properties (such as structural, functional, and spatial information, amino acid conservation, physicochemical variation, residue mobility, and thermodynamic stability) indicates that this missense variant is not expected to disrupt APC protein function with a negative predictive value of 95%. In summary, the available evidence is currently insufficient to determine the role of this variant in disease. Therefore, it has been classified as a Variant of Uncertain Significance.

Color Diagnostics, LLC DBA Color Health
Classification: Uncertain significance for Hereditary cancer-predisposing syndrome. Last evaluated: 2025-09-11. Review status: criteria provided, single submitter. Criteria: ACMG Guidelines, 2015. Collection method: clinical testing. Allele origin: germline.
Comment: This missense variant replaces histidine with arginine at codon 753 of the APC protein. Computational prediction is inconclusive regarding the impact of this variant on protein structure and function. APC is defined as a gene for which primarily truncating variants are known to cause disease (ClinGen HCCP VCEP). To our knowledge, functional studies have not been reported for this variant. This variant has not been reported in individuals affected with APC-related disorders in the literature. This variant has not been identified in the general population by the Genome Aggregation Database (gnomAD). The available evidence is insufficient to determine the role of this variant in disease conclusively. Therefore, this variant is classified as a Variant of Uncertain Significance.

Ambry Genetics
Classification: Uncertain significance for Hereditary cancer-predisposing syndrome. Last evaluated: 2023-08-30. Review status: criteria provided, single submitter. Criteria: Ambry Variant Classification Scheme 2023. Collection method: clinical testing. Allele origin: germline.
Comment: The p.H753R variant (also known as c.2258A>G), located in coding exon 15 of the APC gene, results from an A to G substitution at nucleotide position 2258. The histidine at codon 753 is replaced by arginine, an amino acid with highly similar properties. This amino acid position is well conserved in available vertebrate species. In addition, in silico predictors for this gene do not accurately predict pathogenicity. Since supporting evidence is limited at this time, the clinical significance of this alteration remains unclear.

Illumina Laboratory Services, Illumina
Classification: Uncertain significance for APC-Associated Polyposis Disorders. Last evaluated: 2018-01-13. Review status: criteria provided, single submitter. Criteria: ICSL Variant Classification Criteria 13 December 2019. Collection method: clinical testing. Allele origin: germline.